The following is an entry in ClinVar:

ClinVar aggregate classification (germline): Conflicting classifications of pathogenicity. Review status: criteria provided, conflicting classifications (1 of 4 stars). 15 submissions from 11 submitters: Uncertain significance (10); Benign (1); Likely benign (4). Last evaluated 2026-06-01.

Conditions:
TTN-related disorder. Also called: TTN-related condition; TTN-related disease; TTN-related disorders.
Cardiovascular phenotype. Identifiers: MedGen CN230736.
Autosomal recessive limb-girdle muscular dystrophy type 2J (LGMDR10). Also called: Limb-girdle muscular dystrophy, type 2J; MUSCULAR DYSTROPHY, LIMB-GIRDLE, AUTOSOMAL RECESSIVE 10. Identifiers: Orphanet 140922, MedGen C1837342, MONDO:0012127, OMIM 608807.
Dilated cardiomyopathy 1G (CMD1G). Identifiers: Orphanet 154, MedGen C1858763, MONDO:0011400, OMIM 604145.
Cardiomyopathy (CMYO). Also called: Cardiomyopathies. Identifiers: Orphanet 167848, MedGen C0878544, MONDO:0004994, HP:0001638. Inheritance: Various modes of inheritance.
Early-onset myopathy with fatal cardiomyopathy (CMYO5). Also called: Salih Myopathy; CONGENITAL MYOPATHY 5 WITH CARDIOMYOPATHY. Identifiers: Orphanet 289377, MedGen C2673677, MONDO:0012714, OMIM 611705. Disease mechanism: loss of function.
Myopathy, myofibrillar, 9, with early respiratory failure (MFM9). Also called: EDSTROM MYOPATHY; MYOPATHY, PROXIMAL, WITH EARLY RESPIRATORY MUSCLE INVOLVEMENT; Myopathy, distal, with early respiratory failure, autosomal dominant; Hereditary myopathy with early respiratory failure. Identifiers: Orphanet 178464, Orphanet 34521, MedGen C1863599, MONDO:0011362, OMIM 603689.
Tibial muscular dystrophy (TMD). Also called: Tibial muscular dystrophy, tardive; UDD MYOPATHY; Udd Distal Myopathy – Tibial Muscular Dystrophy. Identifiers: Orphanet 609, MedGen C1838244, MONDO:0010870, OMIM 600334.

Allele frequency attached by ClinVar (database versions not stated): ExAC 0.00003; gnomAD 0.00004 and 0.00005; gnomAD exomes 0.00008; TOPMed 0.00009.
gnomAD v4.1: 127 of 1,614,126 alleles (0.0079%); highest among the groups gnomAD compares: Middle Eastern, 0.63%; 1 homozygote.

Submissions (15):

CeGaT Center for Human Genetics Tuebingen
Classification: Likely benign. Last evaluated: 2026-06-01. Review status: criteria provided, single submitter. Criteria: CeGaT Center For Human Genetics Tuebingen Variant Classification Criteria Version 2. Collection method: clinical testing. Allele origin: germline. Affected: yes. Observed: 3 variant alleles.
Comment: TTN: BP4

PreventionGenetics, part of Exact Sciences
Classification: Uncertain significance for TTN-related condition. Last evaluated: 2025-12-02. Review status: criteria provided, single submitter. Criteria: ACMG Guidelines, 2015. Collection method: clinical testing. Allele origin: germline.
Comment: The TTN c.2386G>A variant is predicted to result in the amino acid substitution p.Asp796Asn. This variant has been reported as a variant of uncertain significance in an individual with dilated cardiomyopathy and in an individual with arrhythmogenic cardiomyopathy; however, both individuals had positive findings in other cardiomyopathy-associated genes explaining the phenotypes (case #1172 in Online Supplementary File 2, van Lint et al. 2019. PubMed ID: 30847666; Brodehl et al. 2021. PubMed ID: 33917638). This variant is reported in 0.019% of alleles in individuals of Ashkenazi Jewish descent in gnomAD. Although we suspect that this variant may be benign, at this time, the clinical significance of this variant is uncertain due to the absence of conclusive functional and genetic evidence.

Mayo Clinic Laboratories, Mayo Clinic
Classification: Likely benign. Last evaluated: 2025-10-22. Review status: criteria provided, single submitter. Criteria: ACMG Guidelines, 2015. Collection method: clinical testing. Allele origin: germline. Observed: 3 variant alleles.
Comment: BS1, BP4_moderate

Revvity Omics, Revvity
Classification: Uncertain significance. Last evaluated: 2024-05-23. Review status: criteria provided, single submitter. Criteria: ACMG Guidelines, 2015. Collection method: clinical testing. Allele origin: germline.

Ambry Genetics
Classification: Likely benign for Cardiovascular phenotype. Last evaluated: 2020-09-15. Review status: criteria provided, single submitter. Criteria: Ambry Variant Classification Scheme 2023. Collection method: clinical testing. Allele origin: germline.

CHEO Genetics Diagnostic Laboratory, Children's Hospital of Eastern Ontario
Classification: Uncertain significance for Cardiomyopathy. Last evaluated: 2018-03-15. Review status: criteria provided, single submitter. Criteria: ACMG Guidelines, 2015. Collection method: clinical testing. Allele origin: germline.

Illumina Laboratory Services, Illumina
Classification: Likely benign for Myopathy, myofibrillar, 9, with early respiratory failure. Last evaluated: 2018-01-13. Review status: criteria provided, single submitter. Criteria: ICSL Variant Classification Criteria 13 December 2019. Collection method: clinical testing. Allele origin: germline.
Comment: This variant was observed in the ICSL laboratory as part of a predisposition screen in an ostensibly healthy population. It had not been previously curated by ICSL or reported in the Human Gene Mutation Database (HGMD: prior to June 1st, 2018), and was therefore a candidate for classification through an automated scoring system. Utilizing variant allele frequency, disease prevalence and penetrance estimates, and inheritance mode, an automated score was calculated to assess if this variant is too frequent to cause the disease. Based on the score and internal cut-off values, a variant classified as likely benign is not then subjected to further curation. The score for this variant resulted in a classification of likely benign for this disease.

Illumina Laboratory Services, Illumina
Classification: Uncertain significance for Autosomal recessive limb-girdle muscular dystrophy type 2J. Last evaluated: 2018-01-13. Review status: criteria provided, single submitter. Criteria: ICSL Variant Classification Criteria 13 December 2019. Collection method: clinical testing. Allele origin: germline.

Illumina Laboratory Services, Illumina
Classification: Benign for Tibial muscular dystrophy. Last evaluated: 2018-01-13. Review status: criteria provided, single submitter. Criteria: ICSL Variant Classification Criteria 13 December 2019. Collection method: clinical testing. Allele origin: germline.
Comment: This variant was observed in the ICSL laboratory as part of a predisposition screen in an ostensibly healthy population. It had not been previously curated by ICSL or reported in the Human Gene Mutation Database (HGMD: prior to June 1st, 2018), and was therefore a candidate for classification through an automated scoring system. Utilizing variant allele frequency, disease prevalence and penetrance estimates, and inheritance mode, an automated score was calculated to assess if this variant is too frequent to cause the disease. Based on the score and internal cut-off values, a variant classified as benign is not then subjected to further curation. The score for this variant resulted in a classification of benign for this disease.

Illumina Laboratory Services, Illumina
Classification: Uncertain significance for Dilated cardiomyopathy 1G. Last evaluated: 2018-01-13. Review status: criteria provided, single submitter. Criteria: ICSL Variant Classification Criteria 13 December 2019. Collection method: clinical testing. Allele origin: germline.

Illumina Laboratory Services, Illumina
Classification: Uncertain significance for Early-onset myopathy with fatal cardiomyopathy. Last evaluated: 2018-01-13. Review status: criteria provided, single submitter. Criteria: ICSL Variant Classification Criteria 13 December 2019. Collection method: clinical testing. Allele origin: germline.

Eurofins Ntd Llc (ga)
Classification: Uncertain significance. Last evaluated: 2017-06-15. Review status: criteria provided, single submitter. Criteria: EGL Classification Definitions 2015. Collection method: clinical testing. Allele origin: germline. Observed: 3 variant alleles, 3 heterozygotes.

Labcorp Genetics (formerly Invitae), Labcorp
Classification: Uncertain significance for Dilated cardiomyopathy 1G; Autosomal recessive limb-girdle muscular dystrophy type 2J. Last evaluated: 2017-01-26. Review status: criteria provided, single submitter. Criteria: Invitae Variant Classification Sherloc (09022015). Collection method: clinical testing. Allele origin: germline.

Athena Diagnostics
Classification: Uncertain significance. Last evaluated: 2016-12-31. Review status: criteria provided, single submitter. Criteria: Athena Diagnostics Criteria. Collection method: clinical testing. Allele origin: germline.

GeneDx
Classification: Uncertain significance. Last evaluated: 2015-12-07. Review status: criteria provided, single submitter. Criteria: GeneDx Variant Classification (06012015). Collection method: clinical testing. Allele origin: germline. Affected: yes.
Comment: Missense variants in the TTN gene are considered 'unclassified' if they are not previously reported in the literature and do not have >1% frequency in the population to be considered a polymorphism. Research indicates that truncating mutations in the TTN gene are expected to account for approximately 25% of familial and 18% of sporadic idiopathic DCM; however, truncating variants in the TTN gene have been reported in approximately 3% of reported control alleles. There has been little investigation into non-truncating variants. (Herman D et al. Truncations of titin causing dilated cardiomyopathy. N Eng J Med 366:619-628, 2012) The variant is found in DCM-CRDM panel(s).

Literature cited by the submitters: PubMed 27321809 (cited by Mayo Clinic Laboratories, Mayo Clinic and Ambry Genetics); PubMed 30847666 (cited by Mayo Clinic Laboratories, Mayo Clinic and Ambry Genetics).

NM_001267550.2(TTN):c.2386G>A (p.Asp796Asn)

Gene: TTN (titin; minus strand). Cytogenetic location: 2q31.2.
Variant type: single nucleotide variant.
Coding change: c.2386G>A on transcript NM_001267550.2 (MANE Select); coding-DNA position 2386, G replaced by A.
Protein change: p.Asp796Asn; replaces aspartic acid 796 with asparagine.
Molecular consequence: missense variant.
Genome position (GRCh38, 1-based): chr2:178,785,727, C>T on the plus strand (G>A on the coding strand, the complement: TTN is on the minus strand). VCF-style: chr2-178785727-C-T. GRCh37 (hg19) VCF-style: chr2-179650454-C-T.
Other names: p.D796N:GAT>AAT; c.2386G>A, p.Asp796Asn (NM_001256850.1, NM_133378.4, NM_133379.5); c.2248G>A, p.Asp750Asn (NM_003319.4, NM_133432.3, NM_133437.4); short protein forms D796N, D750N.
Identifiers: ClinVar variation 202783 (VCV000202783.25), dbSNP rs766935265, ClinGen allele CA310273.
Genomic context (GRCh38, chr2:178,785,727, plus strand): 5'-AGTGAGGGCTAGCTGTGCGGGGGCGTTTATCCACATGGACTAATCTTTCCGTTGTTAGAT[C>T]TGTAGTTTTCTTGATCTGCATTGAAATGAAACTCAGTGATACCATTGATCACCAGATGAC-3'
Protein context (NP_001254479.2, residues 786-806): HISSQIKKTT[Asp796Asn]LTTERLVHVD